The following is an entry in ClinVar:

NM_152564.5(VPS13B):c.173T>C (p.Leu58Ser)

Gene: VPS13B (vacuolar protein sorting 13 homolog B; plus strand). Cytogenetic location: 8q22.2.
Variant type: single nucleotide variant.
Coding change: c.173T>C on transcript NM_152564.5 (MANE Select); coding-DNA position 173, T replaced by C.
Protein change: p.Leu58Ser; replaces leucine 58 with serine.
Molecular consequence: missense variant. On other transcripts: non-coding transcript variant (1).
Genome position (GRCh38, 1-based): chr8:99,038,448, T>C. VCF-style: chr8-99038448-T-C. GRCh37 (hg19) VCF-style: chr8-100050676-T-C.
Other names: c.173T>C, p.Leu58Ser (NM_015243.3, NM_017890.5, NM_181661.3); short protein forms L58S.
Identifiers: ClinVar variation 1385276 (VCV001385276.6), dbSNP rs2132221998, ClinGen allele CA371859642.

ClinVar aggregate classification (germline): Uncertain significance (1 of 4 stars; one submission).

Conditions:
Cohen syndrome (COH1). Also called: Cutis verticis gyrata, retinitis pigmentosa, and sensorineural deafness; PEPPER SYNDROME. Identifiers: Orphanet 193, MedGen C0265223, MONDO:0008999, OMIM 216550.

Submission:

Labcorp Genetics (formerly Invitae), Labcorp
Classification: Uncertain significance for Cohen syndrome. Last evaluated: 2023-05-08. Review status: criteria provided, single submitter. Criteria: Invitae Variant Classification Sherloc (09022015). Collection method: clinical testing. Allele origin: germline.
Comment: This variant is not present in population databases (gnomAD no frequency). This sequence change replaces leucine with serine at codon 58 of the VPS13B protein (p.Leu58Ser). The leucine residue is weakly conserved and there is a large physicochemical difference between leucine and serine. This variant has not been reported in the literature in individuals affected with VPS13B-related conditions. In summary, the available evidence is currently insufficient to determine the role of this variant in disease. Therefore, it has been classified as a Variant of Uncertain Significance. Advanced modeling of protein sequence and biophysical properties (such as structural, functional, and spatial information, amino acid conservation, physicochemical variation, residue mobility, and thermodynamic stability) performed at Invitae indicates that this missense variant is not expected to disrupt VPS13B protein function. ClinVar contains an entry for this variant (Variation ID: 1385276).